The following is an entry in ClinVar:

NM_021926.4(ALX4):c.188G>A (p.Arg63Gln)

Gene: ALX4 (ALX homeobox 4; minus strand). Cytogenetic location: 11p11.2.
Variant type: single nucleotide variant.
Coding change: c.188G>A on transcript NM_021926.4 (MANE Select); coding-DNA position 188, G replaced by A.
Protein change: p.Arg63Gln; replaces arginine 63 with glutamine.
Molecular consequence: missense variant.
Genome position (GRCh38, 1-based): chr11:44,309,875, C>T on the plus strand (G>A on the coding strand, the complement: ALX4 is on the minus strand). VCF-style: chr11-44309875-C-T. GRCh37 (hg19) VCF-style: chr11-44331425-C-T.
Other names: c.188G>A, p.Arg63Gln (LRG_1256t1); short protein forms R63Q.
Identifiers: ClinVar variation 304714 (VCV000304714.9), dbSNP rs372830230, ClinGen allele CA5955790.

ClinVar aggregate classification (germline): Conflicting classifications of pathogenicity. Review status: criteria provided, conflicting classifications (1 of 4 stars). 2 submissions from 2 submitters: Uncertain significance (1); Likely benign (1). Last evaluated 2026-01-06.

Conditions:
Parietal foramina 2 (PFM2). Identifiers: Orphanet 60015, MedGen C1865044, MONDO:0012309, OMIM 609597.

Allele frequency attached by ClinVar (database versions not stated): gnomAD exomes 0.00007; ESP Exome Variant Server 0.00008; TOPMed 0.00010; gnomAD 0.00016; ExAC 0.00051; 1000 Genomes Project 30x 0.00156; 1000 Genomes Project 0.00180.
gnomAD v4.1: 157 of 1,572,928 alleles (0.01%); highest among the groups gnomAD compares: East Asian, 0.12%; 1 homozygote.

Submissions (2):

Labcorp Genetics (formerly Invitae), Labcorp
Classification: Uncertain significance. Last evaluated: 2026-01-06. Review status: criteria provided, single submitter. Criteria: Invitae Variant Classification Sherloc (09022015). Collection method: clinical testing. Allele origin: germline.
Comment: This sequence change replaces arginine, which is basic and polar, with glutamine, which is neutral and polar, at codon 63 of the ALX4 protein (p.Arg63Gln). This variant is present in population databases (rs372830230, gnomAD 0.2%). This variant has not been reported in the literature in individuals affected with ALX4-related conditions. ClinVar contains an entry for this variant (Variation ID: 304714). An algorithm developed to predict the effect of missense changes on protein structure and function (PolyPhen-2) suggests that this variant is likely to be tolerated. In summary, the available evidence is currently insufficient to determine the role of this variant in disease. Therefore, it has been classified as a Variant of Uncertain Significance.

Illumina Laboratory Services, Illumina
Classification: Likely benign for Parietal foramina 2. Last evaluated: 2018-01-13. Review status: criteria provided, single submitter. Criteria: ICSL Variant Classification Criteria 13 December 2019. Collection method: clinical testing. Allele origin: germline.
Comment: This variant was observed in the ICSL laboratory as part of a predisposition screen in an ostensibly healthy population. It had not been previously curated by ICSL or reported in the Human Gene Mutation Database (HGMD: prior to June 1st, 2018), and was therefore a candidate for classification through an automated scoring system. Utilizing variant allele frequency, disease prevalence and penetrance estimates, and inheritance mode, an automated score was calculated to assess if this variant is too frequent to cause the disease. Based on the score and internal cut-off values, a variant classified as likely benign is not then subjected to further curation. The score for this variant resulted in a classification of likely benign for this disease.